The following is an entry in ClinVar:

ClinVar aggregate classification (germline): Likely pathogenic. Review status: criteria provided, multiple submitters, no conflicts (2 of 4 stars). 3 submissions from 3 submitters: Likely pathogenic (3). Last evaluated 2024-06-12.

Conditions:
EDA-related disorder. Also called: EDA-related condition; EDA-related disorders.
Hypohidrotic X-linked ectodermal dysplasia (XHED). Also called: ECTODERMAL DYSPLASIA, HYPOHIDROTIC, 1; CST SYNDROME; Christ-Siemans-Touraine syndrome; ECTODERMAL DYSPLASIA 1; Ectodermal Dysplasia 1, Anhidrotic; ECTODERMAL DYSPLASIA 1, HYPOHIDROTIC, X-LINKED. Identifiers: Orphanet 181, Orphanet 238468, MedGen C0162359, MONDO:0010585, OMIM 305100.

Submissions (3):

Labcorp Genetics (formerly Invitae), Labcorp
Classification: Likely pathogenic for Hypohidrotic X-linked ectodermal dysplasia. Last evaluated: 2024-06-12. Review status: criteria provided, single submitter. Criteria: Invitae Variant Classification Sherloc (09022015). Collection method: clinical testing. Allele origin: germline.
Comment: This sequence change falls in intron 3 of the EDA gene. It does not directly change the encoded amino acid sequence of the EDA protein. It affects a nucleotide within the consensus splice site. This variant is not present in population databases (gnomAD no frequency). This variant has been observed in individual(s) with hypohidrotic ectodermal dysplasia (PMID: 26345974; Invitae). ClinVar contains an entry for this variant (Variation ID: 44196). Variants that disrupt the consensus splice site are a relatively common cause of aberrant splicing (PMID: 17576681, 9536098). Algorithms developed to predict the effect of sequence changes on RNA splicing suggest that this variant may disrupt the consensus splice site. This variant disrupts the c.526G nucleotide in the EDA gene. Other variant(s) that disrupt this nucleotide have been determined to be pathogenic (Invitae). This suggests that this nucleotide is clinically significant, and that variants that disrupt this position are likely to be disease-causing. In summary, the currently available evidence indicates that the variant is pathogenic, but additional data are needed to prove that conclusively. Therefore, this variant has been classified as Likely Pathogenic.

Blueprint Genetics
Classification: Likely pathogenic for EDA-related disorders. Last evaluated: 2017-07-26. Review status: criteria provided, single submitter. Criteria: ACMG Guidelines, 2015. Collection method: clinical testing. Allele origin: germline. Affected: yes. Observed: 1 variant allele.

Laboratory for Molecular Medicine, Mass General Brigham Personalized Medicine
Classification: Likely pathogenic for Hypohidrotic X-linked ectodermal dysplasia. Last evaluated: 2015-01-26. Review status: criteria provided, single submitter. Criteria: LMM Criteria. Collection method: clinical testing. Allele origin: germline. Inheritance: X-linked inheritance. Observed: 2 variant alleles.
Comment: This variant is located in the 5' splice region. Computational tools do suggest an im pact to splicing. However, this information is not predictive enough to determin e pathogenicity. In summary, although additional studies are required to fully e stablish its clinical significance, the c.526+5G>T variant is likely pathogenic based upon the predicted splice impact and its presence it two affected individu als.

Literature cited by the submitters: PubMed 26345974 (cited by Labcorp Genetics (formerly Invitae), Labcorp); PubMed 17576681 (cited by Labcorp Genetics (formerly Invitae), Labcorp); PubMed 9536098 (cited by Labcorp Genetics (formerly Invitae), Labcorp).

NM_001399.5(EDA):c.526+5G>T

Gene: EDA (ectodysplasin A; plus strand). Cytogenetic location: Xq13.1.
Variant type: single nucleotide variant.
Coding change: c.526+5G>T on transcript NM_001399.5 (MANE Select); 5 bases into the intron after coding-DNA position 526, G replaced by T.
Molecular consequence: intron variant.
Genome position (GRCh38, 1-based): chrX:70,023,246, G>T. VCF-style: chrX-70023246-G-T. GRCh37 (hg19) VCF-style: chrX-69243096-G-T.
Other names: c.526+5G>T (NM_001005609.2, NM_001005612.3).
Identifiers: ClinVar variation 44196 (VCV000044196.7), dbSNP rs397516664, ClinGen allele CA261493.